The following is an entry in ClinVar:

ClinVar aggregate classification (germline): Uncertain significance. Review status: criteria provided, multiple submitters, no conflicts (2 of 4 stars). 2 submissions from 2 submitters: Uncertain significance (2). Last evaluated 2025-04-14.

Allele frequency attached by ClinVar (database versions not stated): gnomAD 0.00002; gnomAD exomes 0.00002 and 0.00004; ExAC 0.00008.
gnomAD v4.1: 26 of 1,596,814 alleles (0.0016%); highest among the groups gnomAD compares: South Asian, 0.026%; no homozygotes.

Submissions (2):

Labcorp Genetics (formerly Invitae), Labcorp
Classification: Uncertain significance. Last evaluated: 2025-04-14. Review status: criteria provided, single submitter. Criteria: Invitae Variant Classification Sherloc (09022015). Collection method: clinical testing. Allele origin: germline.
Comment: This sequence change replaces alanine, which is neutral and non-polar, with threonine, which is neutral and polar, at codon 485 of the COL9A2 protein (p.Ala485Thr). This variant is present in population databases (rs772338077, gnomAD 0.03%). This variant has not been reported in the literature in individuals affected with COL9A2-related conditions. ClinVar contains an entry for this variant (Variation ID: 1389967). Invitae Evidence Modeling of protein sequence and biophysical properties (such as structural, functional, and spatial information, amino acid conservation, physicochemical variation, residue mobility, and thermodynamic stability) indicates that this missense variant is not expected to disrupt COL9A2 protein function with a negative predictive value of 95%. In summary, the available evidence is currently insufficient to determine the role of this variant in disease. Therefore, it has been classified as a Variant of Uncertain Significance.

Blueprint Genetics
Classification: Uncertain significance. Last evaluated: 2021-12-17. Review status: criteria provided, single submitter. Criteria: ACMG Guidelines, 2015. Collection method: clinical testing. Allele origin: germline.

NM_001852.4(COL9A2):c.1453G>A (p.Ala485Thr)

Gene: COL9A2 (collagen type IX alpha 2 chain; minus strand). Cytogenetic location: 1p34.2.
Variant type: single nucleotide variant.
Coding change: c.1453G>A on transcript NM_001852.4 (MANE Select); coding-DNA position 1453, G replaced by A.
Protein change: p.Ala485Thr; replaces alanine 485 with threonine.
Molecular consequence: missense variant.
Genome position (GRCh38, 1-based): chr1:40,303,625, C>T on the plus strand (G>A on the coding strand, the complement: COL9A2 is on the minus strand). VCF-style: chr1-40303625-C-T. GRCh37 (hg19) VCF-style: chr1-40769297-C-T.
Other names: short protein forms A485T.
Identifiers: ClinVar variation 1389967 (VCV001389967.9), dbSNP rs772338077, ClinGen allele CA791433.